The following is an entry in ClinVar:

NM_152703.5(SAMD9L):c.-2AT[1] (p.Met1fs)

Gene: SAMD9L (sterile alpha motif domain containing 9 like; minus strand). Cytogenetic location: 7q21.2.
Variant type: Microsatellite.
Coding change: c.-2AT[1] on transcript NM_152703.5 (MANE Select); one copy of the 2-base unit AT starting at c.-2; the reference has two copies in a row; one copy, 2 bases deleted.
Protein change: p.Met1fs; shifts the reading frame from methionine 1.
Molecular consequence: frameshift variant, initiator codon variant.
Genome position (GRCh38, 1-based): chr7:93,135,970-93,135,971, AT deleted on the plus strand (AT on the coding strand, the reverse complement: SAMD9L is on the minus strand); deleting any 2 consecutive bases within chr7:93,135,970-93,135,973 gives the same sequence; the position shown is the placement nearest the transcript's 3' end. VCF-style (leftmost placement, unchanged base first): chr7-93135969-CAT-C. GRCh37 (hg19) VCF-style: chr7-92765282-CAT-C.
Other names: c.-2AT[1], p.Met1fs (NM_001303496.3, NM_001303497.3, NM_001303498.3 and 5 more transcripts); short protein forms M1fs.
Identifiers: ClinVar variation 1948407 (VCV001948407.6), dbSNP rs1792436489, ClinGen allele CA1726217466.

ClinVar aggregate classification (germline): Uncertain significance (1 of 4 stars; one submission).

Submission:

Labcorp Genetics (formerly Invitae), Labcorp
Classification: Uncertain significance. Last evaluated: 2022-10-09. Review status: criteria provided, single submitter. Criteria: Invitae Variant Classification Sherloc (09022015). Collection method: clinical testing. Allele origin: germline.
Comment: This variant is not present in population databases (gnomAD no frequency). In summary, the available evidence is currently insufficient to determine the role of this variant in disease. Therefore, it has been classified as a Variant of Uncertain Significance. Experimental studies and prediction algorithms are not available or were not evaluated, and the functional significance of this variant is currently unknown. This variant has not been reported in the literature in individuals affected with SAMD9L-related conditions. This sequence change affects the initiator methionine of the SAMD9L mRNA. The next in-frame methionine is located at codon 10.